The following is an entry in ClinVar:

ClinVar aggregate classification (germline): Likely benign. Review status: criteria provided, multiple submitters, no conflicts (2 of 4 stars). 2 submissions from 2 submitters: Likely benign (2). Last evaluated 2026-07-14.

Conditions:
PRPF6-related disorder. Also called: PRPF6-related condition.

Allele frequency attached by ClinVar (database versions not stated): TOPMed 0.00001; gnomAD 0.00002 and 0.00003; 1000 Genomes Project 30x 0.00016; 1000 Genomes Project 0.00020; gnomAD exomes below 0.00001; ExAC 0.00001.
gnomAD v4.1: 10 of 1,613,124 alleles (0.00062%); highest among the groups gnomAD compares: African/African-American, 0.008%; no homozygotes.

Submissions (2):

PreventionGenetics, part of Exact Sciences
Classification: Likely benign for PRPF6-related condition. Last evaluated: 2026-07-14. Review status: criteria provided, single submitter. Criteria: ACMG Guidelines, 2015. Collection method: clinical testing. Allele origin: germline.
Comment: This variant is classified as likely benign based on ACMG/AMP sequence variant interpretation guidelines (Richards et al. 2015 PMID: 25741868, with internal and published modifications).

Labcorp Genetics (formerly Invitae), Labcorp
Classification: Likely benign. Last evaluated: 2023-05-08. Review status: criteria provided, single submitter. Criteria: Invitae Variant Classification Sherloc (09022015). Collection method: clinical testing. Allele origin: germline.

NM_012469.4(PRPF6):c.1299C>T (p.Ser433=)

Gene: PRPF6 (pre-mRNA processing factor 6; plus strand). Cytogenetic location: 20q13.33.
Variant type: single nucleotide variant.
Coding change: c.1299C>T on transcript NM_012469.4 (MANE Select); coding-DNA position 1299, C replaced by T.
Protein change: p.Ser433=; no amino-acid change (serine 433 retained).
Molecular consequence: synonymous variant.
Genome position (GRCh38, 1-based): chr20:64,010,312, C>T. VCF-style: chr20-64010312-C-T. GRCh37 (hg19) VCF-style: chr20-62641665-C-T.
Other names: c.1299C>T (NM_012469.3).
Identifiers: ClinVar variation 1129007 (VCV001129007.11), dbSNP rs200427400, ClinGen allele CA9972134.